The following is an entry in ClinVar:

NM_030962.4(SBF2):c.5530_5531del (p.Ser1844fs)

Genes: SBF2 (SET binding factor 2; minus strand), SBF2-AS1 (SBF2 antisense RNA 1; plus strand). Cytogenetic location: 11p15.4.
Variant type: Microsatellite.
Coding change: c.5530_5531del on transcript NM_030962.4 (MANE Select); coding-DNA positions 5530 to 5531, 2 bases deleted (AG; older notation c.5530_5531delAG).
Protein change: p.Ser1844fs; shifts the reading frame from serine 1844.
Molecular consequence: frameshift variant.
Genome position (GRCh38, 1-based): chr11:9,780,437-9,780,438, CT deleted on the plus strand (AG on the coding strand, the reverse complement: SBF2 is on the minus strand); deleting any 2 consecutive bases within chr11:9,780,437-9,780,440 gives the same sequence; the c. name uses the placement nearest the transcript's 3' end. VCF-style (leftmost placement, unchanged base first): chr11-9780436-ACT-A. GRCh37 (hg19) VCF-style: chr11-9801983-ACT-A.
Other names: c.5626_5627del, p.Ser1876fs (NM_001386339.1); c.5401_5402del, p.Ser1801fs (NM_001386342.1); short protein forms S1801fs, S1844fs, S1876fs.
Identifiers: ClinVar variation 1038755 (VCV001038755.6), dbSNP rs1293444505, ClinGen allele CA597552352.

ClinVar aggregate classification (germline): Uncertain significance (1 of 4 stars; one submission).

Conditions:
Charcot-Marie-Tooth disease type 4. Also called: Charcot-Marie-Tooth, Type 4; Charcot-Marie-Tooth disease, type IV. Identifiers: Orphanet 64749, MedGen C4082197, MONDO:0018995.

Submission:

Labcorp Genetics (formerly Invitae), Labcorp
Classification: Uncertain significance for Charcot-Marie-Tooth disease type 4. Last evaluated: 2021-07-19. Review status: criteria provided, single submitter. Criteria: Invitae Variant Classification Sherloc (09022015). Collection method: clinical testing. Allele origin: germline.
Comment: In summary, the available evidence is currently insufficient to determine the role of this variant in disease. Therefore, it has been classified as a Variant of Uncertain Significance. Experimental studies and prediction algorithms are not available or were not evaluated, and the functional significance of this variant is currently unknown. This variant has not been reported in the literature in individuals with SBF2-related conditions. This variant is not present in population databases (ExAC no frequency). This sequence change results in a premature translational stop signal in the SBF2 gene (p.Ser1844Leufs*4). While this is not anticipated to result in nonsense mediated decay, it is expected to disrupt the last 6 amino acid(s) of the SBF2 protein.